The following is an entry in ClinVar:

ClinVar aggregate classification (germline): Likely benign. Review status: criteria provided, multiple submitters, no conflicts (2 of 4 stars). 7 submissions from 7 submitters: Likely benign (7). Last evaluated 2025-10-21.

Conditions:
Cardiovascular phenotype. Identifiers: MedGen CN230736.
Cardiomyopathy (CMYO). Also called: Cardiomyopathies. Identifiers: Orphanet 167848, MedGen C0878544, MONDO:0004994, HP:0001638. Inheritance: Various modes of inheritance.
Hypertrophic cardiomyopathy. Also called: HYPERTROPHIC MYOCARDIOPATHY. Identifiers: Orphanet 217569, MedGen C0007194, MeSH D002312, MONDO:0005045, HP:0001639.

Allele frequency attached by ClinVar (database versions not stated): ExAC 0.00001; gnomAD 0.00001; gnomAD exomes 0.00001; TOPMed 0.00001.
gnomAD v4.1: 20 of 1,613,882 alleles (0.0012%); highest among the groups gnomAD compares: Middle Eastern, 0.016%; no homozygotes.

Submissions (7):

Labcorp Genetics (formerly Invitae), Labcorp
Classification: Likely benign for Hypertrophic cardiomyopathy. Last evaluated: 2025-10-21. Review status: criteria provided, single submitter. Criteria: Invitae Variant Classification Sherloc (09022015). Collection method: clinical testing. Allele origin: germline.

All of Us Research Program, National Institutes of Health
Classification: Likely benign for Hypertrophic cardiomyopathy. Last evaluated: 2023-12-18. Review status: criteria provided, single submitter. Criteria: ACMG Guidelines, 2015. Collection method: clinical testing. Allele origin: germline. Inheritance: Autosomal dominant inheritance. Observed: 4 variant alleles, 4 heterozygotes.
Comment: This study involves interpretation of variants in research participants for the purpose of population health screening. Participant phenotype was not available at the time of variant classification. Additional details can be found in publication PMID: 35346344, PMCID: PMC8962531

Blueprint Genetics
Classification: Likely benign. Last evaluated: 2023-06-26. Review status: criteria provided, single submitter. Criteria: ACMG Guidelines, 2015. Collection method: clinical testing. Allele origin: germline.

Ambry Genetics
Classification: Likely benign for Cardiovascular phenotype. Last evaluated: 2023-01-08. Review status: criteria provided, single submitter. Criteria: Ambry Variant Classification Scheme 2023. Collection method: clinical testing. Allele origin: germline.

GeneDx
Classification: Likely benign. Last evaluated: 2020-04-16. Review status: criteria provided, single submitter. Criteria: GeneDx Variant Classification Process June 2021. Collection method: clinical testing. Allele origin: germline. Affected: yes.

Color Diagnostics, LLC DBA Color Health
Classification: Likely benign for Cardiomyopathy. Last evaluated: 2019-05-16. Review status: criteria provided, single submitter. Criteria: ACMG Guidelines, 2015. Collection method: clinical testing. Allele origin: germline.

Laboratory for Molecular Medicine, Mass General Brigham Personalized Medicine
Classification: Likely benign. Last evaluated: 2012-04-10. Review status: criteria provided, single submitter. Criteria: LMM Criteria. Collection method: clinical testing. Allele origin: germline. Observed: 1 variant allele.
Comment: Asn279Asn in exon 9 of TPM1: This variant is not expected to have clinical signi ficance because it does not alter an amino acid residue and is not located withi n the splice consensus sequence. Asn279Asn in exon 9 of TPM1 (allele frequency = n/a)

NM_001018005.2(TPM1):c.837C>T (p.Asn279=)

Gene: TPM1 (tropomyosin 1; plus strand). Cytogenetic location: 15q22.2.
Variant type: single nucleotide variant.
Coding change: c.837C>T on transcript NM_001018005.2 (MANE Select); coding-DNA position 837, C replaced by T.
Protein change: p.Asn279=; no amino-acid change (asparagine 279 retained).
Molecular consequence: synonymous variant. On other transcripts: intron variant (12).
Genome position (GRCh38, 1-based): chr15:63,064,128, C>T. VCF-style: chr15-63064128-C-T. GRCh37 (hg19) VCF-style: chr15-63356327-C-T.
Other names: c.729C>T, p.Asn243= (NM_001330346.2, NM_001365781.2, NM_001365782.1); c.837C>T, p.Asn279= (NM_001365779.1, NM_000366.6, NM_001301244.2); c.898+1483C>T (NM_001365778.1); c.772+1483C>T (NM_001018020.2, NM_001018007.2, NM_001018006.2 and 3 more transcripts); c.664+1483C>T (NM_001330351.2, NM_001330344.2, NM_001018008.2 and 2 more transcripts).
Identifiers: ClinVar variation 43447 (VCV000043447.21), dbSNP rs397516393, ClinGen allele CA018405.